The following is an entry in ClinVar:

ClinVar aggregate classification (germline): Uncertain significance. Review status: criteria provided, single submitter (1 of 4 stars). 2 submissions from 2 submitters: Uncertain significance (1). 1 of the submissions does not count toward it. Last evaluated 2016-02-12.

Conditions:
SIX3-related disorder. Also called: SIX3-Related Disorders; SIX3-related condition.

Allele frequency attached by ClinVar (database versions not stated): gnomAD 0.00001.

Submissions (2):

Eurofins Ntd Llc (ga)
Classification: Uncertain significance. Last evaluated: 2016-02-12. Review status: criteria provided, single submitter. Criteria: EGL Classification Definitions 2015. Collection method: clinical testing. Allele origin: germline. Observed: 1 variant allele, 1 heterozygote.

PreventionGenetics, part of Exact Sciences
Classification: Likely benign for SIX3-related condition. Last evaluated: 2024-07-11. Review status: no assertion criteria provided. Collection method: clinical testing. Allele origin: germline. Not counted in ClinVar's aggregate classification.
Comment: This variant is classified as likely benign based on ACMG/AMP sequence variant interpretation guidelines (Richards et al. 2015 PMID: 25741868, with internal and published modifications).

NM_005413.4(SIX3):c.876C>G (p.Gly292=)

Gene: SIX3 (SIX homeobox 3; plus strand). Cytogenetic location: 2p21.
Variant type: single nucleotide variant.
Coding change: c.876C>G on transcript NM_005413.4 (MANE Select); coding-DNA position 876, C replaced by G.
Protein change: p.Gly292=; no amino-acid change (glycine 292 retained).
Molecular consequence: synonymous variant.
Genome position (GRCh38, 1-based): chr2:44,944,637, C>G. VCF-style: chr2-44944637-C-G. GRCh37 (hg19) VCF-style: chr2-45171776-C-G.
Other names: c.876C>G (NM_005413.3).
Identifiers: ClinVar variation 286061 (VCV000286061.6), dbSNP rs886043297, ClinGen allele CA10605349.
Genomic context (GRCh38, chr2:44,944,637, plus strand): 5'-CCAGGCCATTGGACCGAGCGGCATGCGCTCGCTGGCCGAGCCCGGCTGCCCCACGCACGG[C>G]TCGGCAGAGTCGCCGTCCACGGCGGCCAGCCCGACCACCAGCGTGTCCAGCCTGACGGAG-3'
Protein context (NP_005404.1, residues 282-302): SLAEPGCPTH[Gly292=]SAESPSTAAS